The following is an entry in ClinVar:

ClinVar aggregate classification (germline): Conflicting classifications of pathogenicity. Review status: criteria provided, conflicting classifications (1 of 4 stars). 2 submissions from 2 submitters: Uncertain significance (1); Likely benign (1). Last evaluated 2025-07-01.

Conditions:
Epilepsy. Also called: Seizure disorder. Identifiers: MedGen C0014544, MeSH D004827, MONDO:0005027.

Allele frequency attached by ClinVar (database versions not stated): ExAC 0.00002; gnomAD exomes 0.00002 and 0.00007; TOPMed 0.00003; gnomAD 0.00005; ESP Exome Variant Server 0.00008.
gnomAD v4.1: 106 of 1,607,766 alleles (0.0066%); highest among the groups gnomAD compares: Non-Finnish European, 0.0085%; no homozygotes.

Submissions (2):

CeGaT Center for Human Genetics Tuebingen
Classification: Uncertain significance. Last evaluated: 2025-07-01. Review status: criteria provided, single submitter. Criteria: CeGaT Center For Human Genetics Tuebingen Variant Classification Criteria Version 2. Collection method: clinical testing. Allele origin: germline. Affected: yes. Observed: 1 variant allele.
Comment: PIGQ: PM2, BP4

Labcorp Genetics (formerly Invitae), Labcorp
Classification: Likely benign for Epilepsy. Last evaluated: 2025-04-09. Review status: criteria provided, single submitter. Criteria: Invitae Variant Classification Sherloc (09022015). Collection method: clinical testing. Allele origin: germline.

NM_004204.5(PIGQ):c.943-5T>C

Gene: PIGQ (phosphatidylinositol glycan anchor biosynthesis class Q; plus strand). Cytogenetic location: 16p13.3.
Variant type: single nucleotide variant.
Coding change: c.943-5T>C on transcript NM_004204.5 (MANE Select); 5 bases into the intron before coding-DNA position 943, T replaced by C.
Molecular consequence: intron variant.
Genome position (GRCh38, 1-based): chr16:578,374, T>C. VCF-style: chr16-578374-T-C. GRCh37 (hg19) VCF-style: chr16-628374-T-C.
Other names: c.943-5T>C (NM_148920.4).
Identifiers: ClinVar variation 713654 (VCV000713654.18), dbSNP rs374896268, ClinGen allele CA7780059.